The following is an entry in ClinVar:

ClinVar aggregate classification (germline): Uncertain significance (1 of 4 stars; one submission).

Conditions:
Ehlers-Danlos syndrome, dermatosparaxis type. Also called: EDS VIIC; Dermatosparaxis; Ehlers-Danlos syndrome, type VII, autosomal recessive. Identifiers: Orphanet 1901, MedGen C2700425, MONDO:0009161, OMIM 225410.

Allele frequency attached by ClinVar (database versions not stated): ExAC 0.00002; gnomAD 0.00002; TOPMed 0.00002; ESP Exome Variant Server 0.00008; 1000 Genomes Project 30x 0.00031; 1000 Genomes Project 0.00040.
gnomAD v4.1: 12 of 1,613,178 alleles (0.00074%); highest among the groups gnomAD compares: East Asian, 0.0067%; no homozygotes.

Submission:

Labcorp Genetics (formerly Invitae), Labcorp
Classification: Uncertain significance for Ehlers-Danlos syndrome, dermatosparaxis type. Last evaluated: 2022-08-15. Review status: criteria provided, single submitter. Criteria: Invitae Variant Classification Sherloc (09022015). Collection method: clinical testing. Allele origin: germline.
Comment: This sequence change replaces arginine, which is basic and polar, with histidine, which is basic and polar, at codon 691 of the ADAMTS2 protein (p.Arg691His). This variant is present in population databases (rs201052588, gnomAD 0.007%). This variant has not been reported in the literature in individuals affected with ADAMTS2-related conditions. Algorithms developed to predict the effect of missense changes on protein structure and function (SIFT, PolyPhen-2, Align-GVGD) all suggest that this variant is likely to be disruptive. In summary, the available evidence is currently insufficient to determine the role of this variant in disease. Therefore, it has been classified as a Variant of Uncertain Significance.

NM_014244.5(ADAMTS2):c.2072G>A (p.Arg691His)

Gene: ADAMTS2 (ADAM metallopeptidase with thrombospondin type 1 motif 2; minus strand). Cytogenetic location: 5q35.3.
Variant type: single nucleotide variant.
Coding change: c.2072G>A on transcript NM_014244.5 (MANE Select); coding-DNA position 2072, G replaced by A.
Protein change: p.Arg691His; replaces arginine 691 with histidine.
Molecular consequence: missense variant.
Genome position (GRCh38, 1-based): chr5:179,135,922, C>T on the plus strand (G>A on the coding strand, the complement: ADAMTS2 is on the minus strand). VCF-style: chr5-179135922-C-T. GRCh37 (hg19) VCF-style: chr5-178562923-C-T.
Other names: short protein forms R691H.
Identifiers: ClinVar variation 2137828 (VCV002137828.1), dbSNP rs201052588, ClinGen allele CA3595699.
Genomic context (GRCh38, chr5:179,135,922, plus strand): 5'-CTGAGACTTGACACGGTAGCCCCCCGTGCCGGCCTCTGTGTACTCACCCTGCAGTCCCCG[C>T]GCACACAGAGGCTGAAGGCGTCCTTGTAGGAGCAGCGCGTCCCGTCATGCACCATGCGCT-3'
Protein context (NP_055059.2, residues 681-701): SYKDAFSLCV[Arg691His]GDCRKVGCDG